The following is an entry in ClinVar:

NM_000264.5(PTCH1):c.4311C>G (p.Cys1437Trp)

Gene: PTCH1 (patched 1; minus strand). Cytogenetic location: 9q22.32.
Variant type: single nucleotide variant.
Coding change: c.4311C>G on transcript NM_000264.5 (MANE Select); coding-DNA position 4311, C replaced by G.
Protein change: p.Cys1437Trp; replaces cysteine 1437 with tryptophan.
Molecular consequence: missense variant. On other transcripts: non-coding transcript variant (1).
Genome position (GRCh38, 1-based): chr9:95,446,945, G>C on the plus strand (C>G on the coding strand, the complement: PTCH1 is on the minus strand). VCF-style: chr9-95446945-G-C. GRCh37 (hg19) VCF-style: chr9-98209227-G-C.
Other names: c.3858C>G, p.Cys1286Trp (NM_001083607.3, NM_001083604.3, NM_001083605.3 and 1 more transcripts); c.4155C>G, p.Cys1385Trp (NM_001354918.2); c.4113C>G, p.Cys1371Trp (NM_001083602.3); c.4308C>G, p.Cys1436Trp (NM_001083603.3); short protein forms C1437W, C1371W, C1385W, C1436W, C1286W.
Identifiers: ClinVar variation 571842 (VCV000571842.10), dbSNP rs368571026, ClinGen allele CA374109879.

ClinVar aggregate classification (germline): Uncertain significance. Review status: criteria provided, multiple submitters, no conflicts (2 of 4 stars). 2 submissions from 2 submitters: Uncertain significance (2). Last evaluated 2025-10-03.

Conditions:
Hereditary cancer-predisposing syndrome. Also called: Hereditary neoplastic syndrome; Neoplastic Syndromes, Hereditary; Hereditary Cancer Syndrome; Tumor predisposition. Identifiers: Orphanet 140162, MedGen C0027672, MeSH D009386, MONDO:0015356.
Gorlin syndrome. Also called: Nevoid Basal Cell Carcinoma Syndrome; Basal cell nevus syndrome. Identifiers: Orphanet 377, MedGen C0004779, MONDO:0007187.

gnomAD v4.1: 1 of 1,613,966 alleles (0.000062%); highest among the groups gnomAD compares: Non-Finnish European, 0.000085%; no homozygotes.

Submissions (2):

Ambry Genetics
Classification: Uncertain significance for Hereditary cancer-predisposing syndrome. Last evaluated: 2025-10-03. Review status: criteria provided, single submitter. Criteria: Ambry Variant Classification Scheme 2023. Collection method: clinical testing. Allele origin: germline.
Comment: The p.C1437W variant (also known as c.4311C>G), located in coding exon 23 of the PTCH1 gene, results from a C to G substitution at nucleotide position 4311. The cysteine at codon 1437 is replaced by tryptophan, an amino acid with highly dissimilar properties. This amino acid position is conserved. In addition, the in silico prediction for this alteration is inconclusive. Based on the available evidence, the clinical significance of this variant remains unclear.

Labcorp Genetics (formerly Invitae), Labcorp
Classification: Uncertain significance for Gorlin syndrome. Last evaluated: 2018-02-12. Review status: criteria provided, single submitter. Criteria: Invitae Variant Classification Sherloc (09022015). Collection method: clinical testing. Allele origin: germline.
Comment: In summary, the available evidence is currently insufficient to determine the role of this variant in disease. Therefore, it has been classified as a Variant of Uncertain Significance. This sequence change replaces cysteine with tryptophan at codon 1437 of the PTCH1 protein (p.Cys1437Trp). The cysteine residue is moderately conserved and there is a large physicochemical difference between cysteine and tryptophan. This variant is not present in population databases (ExAC no frequency). This variant has not been reported in the literature in individuals with PTCH1-related disease. Algorithms developed to predict the effect of missense changes on protein structure and function do not agree on the potential impact of this missense change (SIFT: "Tolerated"; PolyPhen-2: "Possibly Damaging"; Align-GVGD: "Class C0").